The following is an entry in ClinVar:

NM_000051.4(ATM):c.1461T>G (p.Ile487Met)

Gene: ATM (ATM serine/threonine kinase; plus strand). Cytogenetic location: 11q22.3.
Variant type: single nucleotide variant.
Coding change: c.1461T>G on transcript NM_000051.4 (MANE Select); coding-DNA position 1461, T replaced by G.
Protein change: p.Ile487Met; replaces isoleucine 487 with methionine.
Molecular consequence: missense variant.
Genome position (GRCh38, 1-based): chr11:108,250,926, T>G. VCF-style: chr11-108250926-T-G. GRCh37 (hg19) VCF-style: chr11-108121653-T-G.
Other names: c.1461T>G, p.Ile487Met (NM_001351834.2); short protein forms I487M.
Identifiers: ClinVar variation 928965 (VCV000928965.3), dbSNP rs2080108393, ClinGen allele CA382534145.

ClinVar aggregate classification (germline): Uncertain significance. Review status: criteria provided, multiple submitters, no conflicts (2 of 4 stars). 2 submissions from 2 submitters: Uncertain significance (2). Last evaluated 2025-06-05.

Conditions:
Hereditary cancer-predisposing syndrome. Also called: Neoplastic Syndromes, Hereditary; Hereditary Cancer Syndrome; Tumor predisposition; Hereditary neoplastic syndrome. Identifiers: Orphanet 140162, MedGen C0027672, MeSH D009386, MONDO:0015356.

Submissions (2):

Women's Health and Genetics/Laboratory Corporation of America, LabCorp
Classification: Uncertain significance. Last evaluated: 2025-06-05. Review status: criteria provided, single submitter. Criteria: LabCorp Variant Classification Summary - May 2015. Collection method: clinical testing. Allele origin: germline.
Comment: Variant summary: ATM c.1461T>G (p.Ile487Met) results in a conservative amino acid change in the encoded protein sequence. Algorithms developed to predict the effect of missense changes on protein structure and function all suggest that this variant is likely to be tolerated. The variant was absent in 251336 control chromosomes. The available data on variant occurrences in the general population are insufficient to allow any conclusion about variant significance. To our knowledge, no occurrence of c.1461T>G in individuals affected with Ataxia-Telangiectasia and no experimental evidence demonstrating its impact on protein function have been reported. ClinVar contains an entry for this variant (Variation ID: 928965). Based on the evidence outlined above, the variant was classified as uncertain significance.

Ambry Genetics
Classification: Uncertain significance for Hereditary cancer-predisposing syndrome. Last evaluated: 2025-05-02. Review status: criteria provided, single submitter. Criteria: Ambry Variant Classification Scheme 2023. Collection method: clinical testing. Allele origin: germline.
Comment: The p.I487M variant (also known as c.1461T>G), located in coding exon 9 of the ATM gene, results from a T to G substitution at nucleotide position 1461. The isoleucine at codon 487 is replaced by methionine, an amino acid with highly similar properties. This amino acid position is well conserved in available vertebrate species. In addition, the in silico prediction for this alteration is inconclusive. Based on the available evidence, the clinical significance of this variant remains unclear.